The following is an entry in ClinVar:

NM_001013838.3(CARMIL2):c.4016G>C (p.Cys1339Ser)

Gene: CARMIL2 (capping protein regulator and myosin 1 linker 2; plus strand). Cytogenetic location: 16q22.1.
Variant type: single nucleotide variant.
Coding change: c.4016G>C on transcript NM_001013838.3 (MANE Select); coding-DNA position 4016, G replaced by C.
Protein change: p.Cys1339Ser; replaces cysteine 1339 with serine.
Molecular consequence: missense variant.
Genome position (GRCh38, 1-based): chr16:67,656,625, G>C. VCF-style: chr16-67656625-G-C. GRCh37 (hg19) VCF-style: chr16-67690528-G-C.
Other names: c.3908G>C, p.Cys1303Ser (NM_001317026.3); short protein forms C1303S, C1339S.
Identifiers: ClinVar variation 1443985 (VCV001443985.4), dbSNP rs200963103, ClinGen allele CA8114228.

ClinVar aggregate classification (germline): Uncertain significance. Review status: criteria provided, multiple submitters, no conflicts (2 of 4 stars). 2 submissions from 2 submitters: Uncertain significance (2). Last evaluated 2024-07-08.

Allele frequency attached by ClinVar (database versions not stated): TOPMed 0.00025; gnomAD 0.00029 and 0.00032.

Submissions (2):

Blueprint Genetics
Classification: Uncertain significance. Last evaluated: 2024-07-08. Review status: criteria provided, single submitter. Criteria: ACMG Guidelines, 2015. Collection method: clinical testing. Allele origin: germline.

Labcorp Genetics (formerly Invitae), Labcorp
Classification: Uncertain significance. Last evaluated: 2022-07-18. Review status: criteria provided, single submitter. Criteria: Invitae Variant Classification Sherloc (09022015). Collection method: clinical testing. Allele origin: germline.
Comment: This sequence change replaces cysteine, which is neutral and slightly polar, with serine, which is neutral and polar, at codon 1339 of the CARMIL2 protein (p.Cys1339Ser). This variant is present in population databases (rs200963103, gnomAD 0.1%). This variant has not been reported in the literature in individuals affected with CARMIL2-related conditions. ClinVar contains an entry for this variant (Variation ID: 1443985). Algorithms developed to predict the effect of missense changes on protein structure and function are either unavailable or do not agree on the potential impact of this missense change (SIFT: "Tolerated"; PolyPhen-2: "Probably Damaging"; Align-GVGD: "Class C0"). In summary, the available evidence is currently insufficient to determine the role of this variant in disease. Therefore, it has been classified as a Variant of Uncertain Significance.